The following is an entry in ClinVar:

ClinVar aggregate classification (germline): Uncertain significance. Review status: criteria provided, multiple submitters, no conflicts (2 of 4 stars). 2 submissions from 2 submitters: Uncertain significance (2). Last evaluated 2024-11-21.

Conditions:
Cyclical neutropenia. Also called: Cyclic Neutropenia; Cyclic hematopoiesis. Identifiers: Orphanet 2686, MedGen C0221023, MONDO:0008090, OMIM 162800, HP:0040289. Disease mechanism: loss of function.
Inborn genetic diseases. Identifiers: MedGen C0950123, MeSH D030342.

Allele frequency attached by ClinVar (database versions not stated): gnomAD exomes 0.00001.
gnomAD v4.1: 4 of 1,596,770 alleles (0.00025%); highest among the groups gnomAD compares: Non-Finnish European, 0.00034%; no homozygotes.

Submissions (2):

Ambry Genetics
Classification: Uncertain significance for Inborn genetic diseases. Last evaluated: 2024-11-21. Review status: criteria provided, single submitter. Criteria: Ambry Variant Classification Scheme 2023. Collection method: clinical testing. Allele origin: germline.
Comment: The p.P38L variant (also known as c.113C>T), located in coding exon 2 of the ELANE gene, results from a C to T substitution at nucleotide position 113. The proline at codon 38 is replaced by leucine, an amino acid with similar properties. This amino acid position is conserved. In addition, the in silico prediction for this alteration is inconclusive. Based on the available evidence, the clinical significance of this variant remains unclear.

MGZ Medical Genetics Center
Classification: Uncertain significance for Cyclical neutropenia. Last evaluated: 2022-03-14. Review status: criteria provided, single submitter. Criteria: ACMG Guidelines, 2015. Collection method: clinical testing. Allele origin: germline. Affected: yes. Observed: 1 variant allele.
Comment: ACMG criteria applied: PM2_SUP, PP3

NM_001972.4(ELANE):c.113C>T (p.Pro38Leu)

Gene: ELANE (elastase, neutrophil expressed; plus strand). Cytogenetic location: 19p13.3.
Variant type: single nucleotide variant.
Coding change: c.113C>T on transcript NM_001972.4 (MANE Select); coding-DNA position 113, C replaced by T.
Protein change: p.Pro38Leu; replaces proline 38 with leucine.
Molecular consequence: missense variant.
Genome position (GRCh38, 1-based): chr19:852,921, C>T. VCF-style: chr19-852921-C-T. GRCh37 (hg19) VCF-style: chr19-852921-C-T.
Other names: short protein forms P38L.
Identifiers: ClinVar variation 1709260 (VCV001709260.3), dbSNP rs986515965, ClinGen allele CA303942767.